The following is an entry in ClinVar:

ClinVar aggregate classification (germline): Uncertain significance (1 of 4 stars; one submission).

Conditions:
Hereditary cancer-predisposing syndrome. Also called: Tumor predisposition; Neoplastic Syndromes, Hereditary; Hereditary Cancer Syndrome; Hereditary neoplastic syndrome. Identifiers: Orphanet 140162, MedGen C0027672, MeSH D009386, MONDO:0015356.

Submission:

Ambry Genetics
Classification: Uncertain significance for Hereditary cancer-predisposing syndrome. Last evaluated: 2024-08-18. Review status: criteria provided, single submitter. Criteria: Ambry Variant Classification Scheme 2023. Collection method: clinical testing. Allele origin: germline.
Comment: The p.R504P variant (also known as c.1511G>C), located in coding exon 16 of the CDC73 gene, results from a G to C substitution at nucleotide position 1511. The arginine at codon 504 is replaced by proline, an amino acid with dissimilar properties. This amino acid position is conserved. In addition, this alteration is predicted to be deleterious by in silico analysis. Based on the available evidence, the clinical significance of this variant remains unclear.

NM_024529.5(CDC73):c.1511G>C (p.Arg504Pro)

Gene: CDC73 (cell division cycle 73; plus strand). Cytogenetic location: 1q31.2.
Variant type: single nucleotide variant.
Coding change: c.1511G>C on transcript NM_024529.5 (MANE Select); coding-DNA position 1511, G replaced by C.
Protein change: p.Arg504Pro; replaces arginine 504 with proline.
Molecular consequence: missense variant.
Genome position (GRCh38, 1-based): chr1:193,249,823, G>C. VCF-style: chr1-193249823-G-C. GRCh37 (hg19) VCF-style: chr1-193218953-G-C.
Other names: short protein forms R504P.
Identifiers: ClinVar variation 3488510 (VCV003488510.1).